The following is an entry in ClinVar:

ClinVar aggregate classification (germline): Uncertain significance (1 of 4 stars; one submission).

Submission:

Labcorp Genetics (formerly Invitae), Labcorp
Classification: Uncertain significance. Last evaluated: 2025-03-10. Review status: criteria provided, single submitter. Criteria: Invitae Variant Classification Sherloc (09022015). Collection method: clinical testing. Allele origin: germline.
Comment: This sequence change falls in intron 2 of the TUBA8 gene. It does not directly change the encoded amino acid sequence of the TUBA8 protein. It affects a nucleotide within the consensus splice site. This variant is not present in population databases (gnomAD no frequency). This variant has not been reported in the literature in individuals affected with TUBA8-related conditions. Variants that disrupt the consensus splice site are a relatively common cause of aberrant splicing (PMID: 17576681, 9536098). Algorithms developed to predict the effect of sequence changes on RNA splicing suggest that this variant is not likely to affect RNA splicing. In summary, the available evidence is currently insufficient to determine the role of this variant in disease. Therefore, it has been classified as a Variant of Uncertain Significance.

Literature cited by the submitters: PubMed 17576681; PubMed 9536098.

NM_018943.3(TUBA8):c.226+3G>A

Gene: TUBA8 (tubulin alpha 8; plus strand). Cytogenetic location: 22q11.21.
Variant type: single nucleotide variant.
Coding change: c.226+3G>A on transcript NM_018943.3 (MANE Select); 3 bases into the intron after coding-DNA position 226, G replaced by A.
Molecular consequence: intron variant.
Genome position (GRCh38, 1-based): chr22:18,121,704, G>A. VCF-style: chr22-18121704-G-A. GRCh37 (hg19) VCF-style: chr22-18604471-G-A.
Other names: c.28+3G>A (NM_001193414.2).
Identifiers: ClinVar variation 4769030 (VCV004769030.1).